The following is an entry in ClinVar:

ClinVar aggregate classification (germline): Uncertain significance. Review status: criteria provided, multiple submitters, no conflicts (2 of 4 stars). 2 submissions from 2 submitters: Uncertain significance (2). Last evaluated 2025-12-10.

Conditions:
Inborn genetic diseases. Identifiers: MedGen C0950123, MeSH D030342.

Allele frequency attached by ClinVar (database versions not stated): ExAC 0.00001; gnomAD exomes below 0.00001; gnomAD 0.00001; 1000 Genomes Project 30x 0.00016; 1000 Genomes Project 0.00020.
gnomAD v4.1: 5 of 1,614,058 alleles (0.00031%); highest among the groups gnomAD compares: East Asian, 0.0067%; no homozygotes.

Submissions (2):

Ambry Genetics
Classification: Uncertain significance for Inborn genetic diseases. Last evaluated: 2025-12-10. Review status: criteria provided, single submitter. Criteria: Ambry Variant Classification Scheme 2023. Collection method: clinical testing. Allele origin: germline.

Labcorp Genetics (formerly Invitae), Labcorp
Classification: Uncertain significance. Last evaluated: 2021-10-02. Review status: criteria provided, single submitter. Criteria: Invitae Variant Classification Sherloc (09022015). Collection method: clinical testing. Allele origin: germline.
Comment: This sequence change replaces asparagine with serine at codon 56 of the COQ9 protein (p.Asn56Ser). The asparagine residue is weakly conserved and there is a small physicochemical difference between asparagine and serine. This variant is present in population databases (rs369373297, ExAC 0.01%). This variant has not been reported in the literature in individuals affected with COQ9-related conditions. Algorithms developed to predict the effect of missense changes on protein structure and function (SIFT, PolyPhen-2, Align-GVGD) all suggest that this variant is likely to be tolerated. In summary, the available evidence is currently insufficient to determine the role of this variant in disease. Therefore, it has been classified as a Variant of Uncertain Significance.

NM_020312.4(COQ9):c.167A>G (p.Asn56Ser)

Gene: COQ9 (coenzyme Q9; plus strand). Cytogenetic location: 16q21.
Variant type: single nucleotide variant.
Coding change: c.167A>G on transcript NM_020312.4 (MANE Select); coding-DNA position 167, A replaced by G.
Protein change: p.Asn56Ser; replaces asparagine 56 with serine.
Molecular consequence: missense variant.
Genome position (GRCh38, 1-based): chr16:57,451,133, A>G. VCF-style: chr16-57451133-A-G. GRCh37 (hg19) VCF-style: chr16-57485045-A-G.
Other names: c.167A>G (NM_020312.3); short protein forms N56S.
Identifiers: ClinVar variation 1413526 (VCV001413526.5), dbSNP rs369373297, ClinGen allele CA8076104.